The following is an entry in ClinVar:

ClinVar aggregate classification (germline): Uncertain significance. Review status: criteria provided, multiple submitters, no conflicts (2 of 4 stars). 3 submissions from 3 submitters: Uncertain significance (3). Last evaluated 2025-11-05.

Conditions:
Inborn genetic diseases. Identifiers: MedGen C0950123, MeSH D030342.
ALG12-congenital disorder of glycosylation (CDG1G). Also called: CDG Ig; Congenital disorder of glycosylation, type Ig; ALG12-CDG. Identifiers: Orphanet 79324, MedGen C2931001, MONDO:0011783, OMIM 607143.

Allele frequency attached by ClinVar (database versions not stated): ExAC 0.00001; gnomAD 0.00004 and 0.00005; TOPMed 0.00009; gnomAD exomes 0.00010.
gnomAD v4.1: 53 of 1,613,870 alleles (0.0033%); highest among the groups gnomAD compares: Admixed American, 0.047%; no homozygotes.

Submissions (3):

Ambry Genetics
Classification: Uncertain significance for Inborn genetic diseases. Last evaluated: 2025-11-05. Review status: criteria provided, single submitter. Criteria: Ambry Variant Classification Scheme 2023. Collection method: clinical testing. Allele origin: germline.

Labcorp Genetics (formerly Invitae), Labcorp
Classification: Uncertain significance for ALG12-congenital disorder of glycosylation. Last evaluated: 2022-09-01. Review status: criteria provided, single submitter. Criteria: Invitae Variant Classification Sherloc (09022015). Collection method: clinical testing. Allele origin: germline.
Comment: This sequence change replaces threonine, which is neutral and polar, with methionine, which is neutral and non-polar, at codon 134 of the ALG12 protein (p.Thr134Met). This variant is present in population databases (rs201405631, gnomAD 0.06%). This variant has not been reported in the literature in individuals affected with ALG12-related conditions. ClinVar contains an entry for this variant (Variation ID: 342056). Algorithms developed to predict the effect of missense changes on protein structure and function are either unavailable or do not agree on the potential impact of this missense change (SIFT: "Tolerated"; PolyPhen-2: "Probably Damaging"; Align-GVGD: "Class C0"). In summary, the available evidence is currently insufficient to determine the role of this variant in disease. Therefore, it has been classified as a Variant of Uncertain Significance.

Illumina Laboratory Services, Illumina
Classification: Uncertain significance for ALG12-congenital disorder of glycosylation. Last evaluated: 2018-01-12. Review status: criteria provided, single submitter. Criteria: ICSL Variant Classification Criteria 13 December 2019. Collection method: clinical testing. Allele origin: germline.

NM_024105.4(ALG12):c.401C>T (p.Thr134Met)

Gene: ALG12 (ALG12 alpha-1,6-mannosyltransferase; minus strand). Cytogenetic location: 22q13.33.
Variant type: single nucleotide variant.
Coding change: c.401C>T on transcript NM_024105.4 (MANE Select); coding-DNA position 401, C replaced by T.
Protein change: p.Thr134Met; replaces threonine 134 with methionine.
Molecular consequence: missense variant.
Genome position (GRCh38, 1-based): chr22:49,910,502, G>A on the plus strand (C>T on the coding strand, the complement: ALG12 is on the minus strand). VCF-style: chr22-49910502-G-A. GRCh37 (hg19) VCF-style: chr22-50304150-G-A.
Other names: short protein forms T134M.
Identifiers: ClinVar variation 342056 (VCV000342056.10), dbSNP rs201405631, ClinGen allele CA10300634.
Genomic context (GRCh38, chr22:49,910,502, plus strand): 5'-AGGGCCAGCACATTGGGCAGTGTCCGCGTGCAGTAGAACATCAGGTGGAACTGCATGGCC[G>A]TCACCCAGCAGAACATGGTGGCCACCATGGCCCCGAAGTGCCGTCTCACTTCCTTTTGTA-3'
Protein context (NP_077010.1, residues 124-144): AMVATMFCWV[Thr134Met]AMQFHLMFYC